The following is an entry in ClinVar:

NM_000245.4(MET):c.3149C>G (p.Thr1050Ser)

Gene: MET (MET proto-oncogene, receptor tyrosine kinase; plus strand). Cytogenetic location: 7q31.2.
Variant type: single nucleotide variant.
Coding change: c.3149C>G on transcript NM_000245.4 (MANE Select); coding-DNA position 3149, C replaced by G.
Protein change: p.Thr1050Ser; replaces threonine 1050 with serine.
Molecular consequence: missense variant.
Genome position (GRCh38, 1-based): chr7:116,775,001, C>G. VCF-style: chr7-116775001-C-G. GRCh37 (hg19) VCF-style: chr7-116415055-C-G.
Other names: c.3203C>G, p.Thr1068Ser (NM_001127500.3); c.1859C>G, p.Thr620Ser (NM_001324402.2); short protein forms T1050S, T1068S, T620S.
Identifiers: ClinVar variation 1449384 (VCV001449384.11), dbSNP rs1179812872, ClinGen allele CA368988358.

ClinVar aggregate classification (germline): Conflicting classifications of pathogenicity. Review status: criteria provided, conflicting classifications (1 of 4 stars). 2 submissions from 2 submitters: Uncertain significance (1); Likely benign (1). Last evaluated 2025-10-28.

Conditions:
Renal cell carcinoma. Identifiers: Orphanet 217071, MedGen C0007134, MeSH D002292, MONDO:0005086, HP:0005584.
Hereditary cancer-predisposing syndrome. Also called: Hereditary Cancer Syndrome; Hereditary neoplastic syndrome; Neoplastic Syndromes, Hereditary; Tumor predisposition. Identifiers: Orphanet 140162, MedGen C0027672, MeSH D009386, MONDO:0015356.

Allele frequency attached by ClinVar (database versions not stated): gnomAD 0.00001.
gnomAD v4.1: 2 of 1,614,080 alleles (0.00012%); highest among the groups gnomAD compares: East Asian, 0.0045%; no homozygotes.

Submissions (2):

Labcorp Genetics (formerly Invitae), Labcorp
Classification: Uncertain significance for Renal cell carcinoma. Last evaluated: 2025-10-28. Review status: criteria provided, single submitter. Criteria: Invitae Variant Classification Sherloc (09022015). Collection method: clinical testing. Allele origin: germline.
Comment: This sequence change replaces threonine, which is neutral and polar, with serine, which is neutral and polar, at codon 1068 of the MET protein (p.Thr1068Ser). This variant is present in population databases (no rsID available, gnomAD 0.06%). This variant has not been reported in the literature in individuals affected with MET-related conditions. ClinVar contains an entry for this variant (Variation ID: 1449384). Invitae Evidence Modeling of protein sequence and biophysical properties (such as structural, functional, and spatial information, amino acid conservation, physicochemical variation, residue mobility, and thermodynamic stability) indicates that this missense variant is not expected to disrupt MET protein function with a negative predictive value of 80%. In summary, the available evidence is currently insufficient to determine the role of this variant in disease. Therefore, it has been classified as a Variant of Uncertain Significance.

Ambry Genetics
Classification: Likely benign for Hereditary cancer-predisposing syndrome. Last evaluated: 2025-06-09. Review status: criteria provided, single submitter. Criteria: Ambry Variant Classification Scheme 2023. Collection method: clinical testing. Allele origin: germline.